The following is an entry in ClinVar:

ClinVar aggregate classification (germline): Likely benign. Review status: criteria provided, multiple submitters, no conflicts (2 of 4 stars). 2 submissions from 2 submitters: Likely benign (2). Last evaluated 2018-06-19.

Allele frequency attached by ClinVar (database versions not stated): gnomAD 0.02056 and 0.02100; 1000 Genomes Project 30x 0.02077; 1000 Genomes Project 0.02097; TOPMed 0.02197; gnomAD exomes 0.02427.
gnomAD v4.1: 26,403 of 1,109,560 alleles (2.4%); highest among the groups gnomAD compares: Admixed American, 5%; 427 homozygotes.

Submissions (2):

GeneDx
Classification: Likely benign. Last evaluated: 2018-06-19. Review status: criteria provided, single submitter. Criteria: GeneDx Variant Classification (06012015). Collection method: clinical testing. Allele origin: germline. Affected: yes.
Comment: This variant is considered likely benign or benign based on one or more of the following criteria: it is a conservative change, it occurs at a poorly conserved position in the protein, it is predicted to be benign by multiple in silico algorithms, and/or has population frequency not consistent with disease.

Breakthrough Genomics
Classification: Likely benign. Review status: criteria provided, single submitter. Criteria: ACMG Guidelines, 2015. Collection method: not provided. Allele origin: germline. Inheritance: Autosomal recessive inheritance. Affected: yes.

NM_173630.4(RTTN):c.4302+112C>T

Gene: RTTN (rotatin; minus strand). Cytogenetic location: 18q22.2.
Variant type: single nucleotide variant.
Coding change: c.4302+112C>T on transcript NM_173630.4 (MANE Select); 112 bases into the intron after coding-DNA position 4302, C replaced by T.
Molecular consequence: intron variant.
Genome position (GRCh38, 1-based): chr18:70,087,877, G>A on the plus strand (C>T on the coding strand, the complement: RTTN is on the minus strand). VCF-style: chr18-70087877-G-A. GRCh37 (hg19) VCF-style: chr18-67755113-G-A.
Other names: c.1566+112C>T (NM_001318520.2).
Identifiers: ClinVar variation 678965 (VCV000678965.2), dbSNP rs17232744, ClinGen allele CA301929385.